The following is an entry in ClinVar:

NM_206926.2(SELENON):c.1276T>C (p.Ser426Pro)

Gene: SELENON (selenoprotein N; plus strand). Cytogenetic location: 1p36.11.
Variant type: single nucleotide variant.
Coding change: c.1276T>C on transcript NM_206926.2 (MANE Select); coding-DNA position 1276, T replaced by C.
Protein change: p.Ser426Pro; replaces serine 426 with proline.
Molecular consequence: missense variant.
Genome position (GRCh38, 1-based): chr1:25,812,783, T>C. VCF-style: chr1-25812783-T-C. GRCh37 (hg19) VCF-style: chr1-26139274-T-C.
Other names: c.1378T>C, p.Ser460Pro (NM_020451.3); short protein forms S460P, S426P.
Identifiers: ClinVar variation 461628 (VCV000461628.9), dbSNP rs1227306514, ClinGen allele CA339117868.
Genomic context (GRCh38, chr1:25,812,783, plus strand): 5'-GCCAAGGCTGAGAACAAGCTGGTGCACTCAATCCTGCTGTGGGGGGCCCTGGATGACCAG[T>C]CCTGCTGAGGTGAGGGGCCCGGCTGGATCTAAGGGGAGCAGTGGGAAAGTCCACACCTTG-3'
Protein context (NP_996809.1, residues 416-436): ILLWGALDDQ[Ser426Pro]CUGSGRTLRE

ClinVar aggregate classification (germline): Uncertain significance (1 of 4 stars; one submission).

Conditions:
Eichsfeld type congenital muscular dystrophy (CMYO3). Also called: MYOPATHY, SEPN1-RELATED; SELENON-related myopathy; Congenital myopathy 3 with rigid spine; Rigid spine muscular dystrophy 1. Identifiers: MedGen C0410180, MONDO:0100100, OMIM 602771.

Allele frequency attached by ClinVar (database versions not stated): gnomAD 0.00001; TOPMed 0.00001.
gnomAD v4.1: 1 of 1,612,320 alleles (0.000062%); highest among the groups gnomAD compares: African/African-American, 0.0013%; no homozygotes.

Submission:

Labcorp Genetics (formerly Invitae), Labcorp
Classification: Uncertain significance for Eichsfeld type congenital muscular dystrophy. Last evaluated: 2022-02-04. Review status: criteria provided, single submitter. Criteria: Invitae Variant Classification Sherloc (09022015). Collection method: clinical testing. Allele origin: germline.
Comment: This variant has not been reported in the literature in individuals affected with SELENON-related conditions. ClinVar contains an entry for this variant (Variation ID: 461628). Algorithms developed to predict the effect of missense changes on protein structure and function are either unavailable or do not agree on the potential impact of this missense change (SIFT: "Deleterious"; PolyPhen-2: "Benign"; Align-GVGD: "Class C0"). In summary, the available evidence is currently insufficient to determine the role of this variant in disease. Therefore, it has been classified as a Variant of Uncertain Significance. This variant is not present in population databases (gnomAD no frequency). This sequence change replaces serine, which is neutral and polar, with proline, which is neutral and non-polar, at codon 460 of the SELENON protein (p.Ser460Pro).